The following is an entry in ClinVar:

ClinVar aggregate classification (germline): Likely benign (1 of 4 stars; one submission).

Allele frequency attached by ClinVar (database versions not stated): gnomAD exomes 0.00061; ExAC 0.00172; gnomAD 0.00250; TOPMed 0.00278; ESP Exome Variant Server 0.00292; 1000 Genomes Project 0.00419; 1000 Genomes Project 30x 0.00547.
gnomAD v4.1: 1,298 of 1,612,920 alleles (0.08%); highest among the groups gnomAD compares: African/African-American, 0.78%; 6 homozygotes.

Submissions (3):

CeGaT Center for Human Genetics Tuebingen
Classification: Likely benign. Last evaluated: 2023-03-01. Review status: criteria provided, single submitter. Criteria: CeGaT Center For Human Genetics Tuebingen Variant Classification Criteria Version 2. Collection method: clinical testing. Allele origin: germline. Affected: yes. Observed: 1 variant allele.
Comment: RGS11: PP3, BS2

Dr. Peter K. Rogan Lab, Western University
No classification provided (evidence only). Condition: Papillary renal cell carcinoma type 1. Review status: no classification provided. Collection method: in vitro. Allele origin: not applicable. Functional consequence: retained intron. Not counted in ClinVar's aggregate classification.

Dr. Peter K. Rogan Lab, Western University
No classification provided (evidence only). Condition: Thyroid cancer, nonmedullary, 1. Review status: no classification provided. Collection method: in vitro. Allele origin: not applicable. Functional consequence: retained intron. Not counted in ClinVar's aggregate classification.

NM_183337.3(RGS11):c.1289G>A (p.Arg430His)

Genes: FAM234A (family with sequence similarity 234 member A; plus strand), RGS11 (regulator of G protein signaling 11; minus strand). Cytogenetic location: 16p13.3.
Variant type: single nucleotide variant.
Coding change: c.1289G>A on transcript NM_183337.3 (MANE Select); coding-DNA position 1289, G replaced by A.
Protein change: p.Arg430His; replaces arginine 430 with histidine.
Molecular consequence: missense variant.
Genome position (GRCh38, 1-based): chr16:269,503, C>T on the plus strand (G>A on the coding strand, the complement: RGS11 is on the minus strand). VCF-style: chr16-269503-C-T. GRCh37 (hg19) VCF-style: chr16-319502-C-T.
Other names: NC_000016.9:g.319502C>T; c.1256G>A, p.Arg419His (NM_001286485.2); c.737G>A, p.Arg246His (NM_001286486.2); c.1226G>A, p.Arg409His (NM_003834.3); short protein forms R246H, R409H, R419H, R430H.
Identifiers: ClinVar variation 2645775 (VCV002645775.25), dbSNP rs148909526, ClinGen allele CA7771721.